The following is an entry in ClinVar:

NM_001267550.2(TTN):c.32095+1G>A

Gene: TTN (titin; minus strand). Cytogenetic location: 2q31.2.
Variant type: single nucleotide variant.
Coding change: c.32095+1G>A on transcript NM_001267550.2 (MANE Select); the canonical splice donor site of the intron after coding-DNA position 32095, G replaced by A.
Molecular consequence: splice donor variant. On other transcripts: intron variant (3).
Genome position (GRCh38, 1-based): chr2:178,689,052, C>T on the plus strand (G>A on the coding strand, the complement: TTN is on the minus strand). VCF-style: chr2-178689052-C-T. GRCh37 (hg19) VCF-style: chr2-179553779-C-T.
Other names: c.13658-46735G>A (NM_133432.3); c.28363+1G>A (NM_133378.4); c.31144+1G>A (NM_001256850.1); c.13283-46735G>A (NM_003319.4); c.13859-46735G>A (NM_133437.4).
Identifiers: ClinVar variation 166113 (VCV000166113.27), dbSNP rs727503636, ClinGen allele CA273278.

ClinVar aggregate classification (germline): Conflicting classifications of pathogenicity. Review status: criteria provided, conflicting classifications (1 of 4 stars). 6 submissions from 6 submitters: Uncertain significance (5); Likely benign (1). Last evaluated 2026-09-14.

Conditions:
TTN-related disorder. Also called: TTN-related condition; TTN-related disease; TTN-related disorders.
Dilated cardiomyopathy 1G (CMD1G). Identifiers: Orphanet 154, MedGen C1858763, MONDO:0011400, OMIM 604145.
Autosomal recessive limb-girdle muscular dystrophy type 2J (LGMDR10). Also called: Limb-girdle muscular dystrophy, type 2J; MUSCULAR DYSTROPHY, LIMB-GIRDLE, AUTOSOMAL RECESSIVE 10. Identifiers: Orphanet 140922, MedGen C1837342, MONDO:0012127, OMIM 608807.

Allele frequency attached by ClinVar (database versions not stated): gnomAD 0.00004; gnomAD exomes 0.00004 and 0.00023; TOPMed 0.00010; ExAC 0.00023.
gnomAD v4.1: 65 of 1,570,820 alleles (0.0041%); highest among the groups gnomAD compares: Admixed American, 0.1%; no homozygotes.

Submissions (6):

GeneDx
Classification: Uncertain significance. Last evaluated: 2026-09-14. Review status: criteria provided, single submitter. Criteria: GeneDx Variant Classification Process June 2021. Collection method: clinical testing. Allele origin: germline.
Comment: Canonical splice site variant in a gene or region of a gene for which loss of function is not a well-established mechanism of disease; This variant is associated with the following publications: (PMID: 34935411, 33226272)

PreventionGenetics, part of Exact Sciences
Classification: Uncertain significance for TTN-related condition. Last evaluated: 2026-04-09. Review status: criteria provided, single submitter. Criteria: ACMG Guidelines, 2015. Collection method: clinical testing. Allele origin: germline.
Comment: The TTN c.32095+1G>A variant is predicted to disrupt the GT donor site and interfere with normal splicing. This variant was reported in an individual with pediatric dilated cardiomyopathy (reported as c.28363+1G>A in Tables S2, S3, and S4, Khan et al. 2022. PubMed ID: 34935411). This variant affects the canonical splice donor site of an exon located in the I-band region of the TTN protein. RNAseq studies from heart tissue indicate this exon is not commonly included in TTN mRNA transcripts (PSI of 15%-37%, Roberts et al. 2015. PubMed ID: 25589632). TTN loss-of-function variants occurring in non-constitutively expressed exons (PSI < 90%) are less likely to be disease causing for TTN cardiac-related disorders (Roberts et al. 2015. PubMed ID: 25589632; Schafer et al. 2017. PubMed ID: 27869827; Akhtar et al. 2020. PubMed ID: 32964742). Many cases of recessive TTN-related myopathies in which the individual is compound heterozygous for two loss-of-function variants in TTN have also been reported (Oates et al. 2018. PubMed ID: 29691892; Ge et al. 2019. PubMed ID: 31053406; Rees et al. 2021. PubMed ID: 33449170). However, this splice variant is located in a symmetric exon and the skipping of this exon is predicted to result in an in-frame deletion of 28 amino acid residues. This variant is reported in 0.15% of alleles in individuals of Latino descent in gnomAD and has conflicting interpretations of pathogenicity in ClinVar ranging from likely benign to uncertain (Variation ID: 166113). At this time, the clinical significance of this variant is uncertain due to the absence of conclusive functional and genetic evidence.

Labcorp Genetics (formerly Invitae), Labcorp
Classification: Likely benign for Dilated cardiomyopathy 1G; Autosomal recessive limb-girdle muscular dystrophy type 2J. Last evaluated: 2025-12-27. Review status: criteria provided, single submitter. Criteria: Invitae Variant Classification Sherloc (09022015). Collection method: clinical testing. Allele origin: germline.

Revvity Omics, Revvity
Classification: Uncertain significance. Last evaluated: 2024-03-04. Review status: criteria provided, single submitter. Criteria: ACMG Guidelines, 2015. Collection method: clinical testing. Allele origin: germline.

Laboratory for Molecular Medicine, Mass General Brigham Personalized Medicine
Classification: Uncertain significance. Last evaluated: 2017-07-10. Review status: criteria provided, single submitter. Criteria: LMM Criteria. Collection method: clinical testing. Allele origin: germline. Observed: 2 variant alleles.
Comment: The c.28363+1G>A variant in TTN has not been previously reported in any other fa mily with cardiomyopathy. This variant has been identified in 0.16% (52/33500) o f Latino chromosomes by the Genome Aggregation Database (gnomAD; dbSNP rs727503636). This variant occurs in the invariant regi on (+/- 1,2) of the splice consensus sequence and is predicted to cause altered splicing leading to an abnormal or absent protein. Splice site and other truncat ing variants in TTN are strongly associated with DCM if they impact the exons en coding for the A-band (Herman 2012, Pugh 2014) and/or are located in an exon tha t is highly expressed in the heart (Roberts 2015). Variants in the I-band, where the c.28363+1G>A variant is located, occur at a greater frequency in controls t han in individuals with DCM (Pugh 2014). This decreases the likelihood, but does not rule out that this variant has a role in disease. In summary, the clinical significance of the c.28363+1G>A variant is uncertain.

Eurofins Ntd Llc (ga)
Classification: Uncertain significance. Last evaluated: 2017-01-10. Review status: criteria provided, single submitter. Criteria: EGL Classification Definitions 2015. Collection method: clinical testing. Allele origin: germline. Observed: 1 variant allele, 1 heterozygote.